The following is an entry in ClinVar:

NM_001258392.3(CLPB):c.2026A>G (p.Thr676Ala)

Gene: CLPB (ClpB family mitochondrial disaggregase; minus strand). Cytogenetic location: 11q13.4.
Variant type: single nucleotide variant.
Coding change: c.2026A>G on transcript NM_001258392.3 (MANE Select); coding-DNA position 2026, A replaced by G.
Protein change: p.Thr676Ala; replaces threonine 676 with alanine.
Molecular consequence: missense variant.
Genome position (GRCh38, 1-based): chr11:72,293,375, T>C on the plus strand (A>G on the coding strand, the complement: CLPB is on the minus strand). VCF-style: chr11-72293375-T-C. GRCh37 (hg19) VCF-style: chr11-72004419-T-C.
Other names: p.Thr706Ala; c.1939A>G, p.Thr647Ala (NM_001258393.3); c.1981A>G, p.Thr661Ala (NM_001258394.3); c.2116A>G, p.Thr706Ala (NM_030813.6); short protein forms T706A, T676A, T661A, T647A.
Identifiers: ClinVar variation 384218 (VCV000384218.47), dbSNP rs112524097, ClinGen allele CA6170972.

ClinVar aggregate classification (germline): Benign/Likely benign. Review status: criteria provided, multiple submitters, no conflicts (2 of 4 stars). 9 submissions from 9 submitters: Benign (4); Likely benign (3). 2 of the submissions do not count toward it. Last evaluated 2026-04-01.

Conditions:
3-methylglutaconic aciduria, type VIIB (MGCA7B). Also called: 3-methylglutaconic aciduria with cataracts, neurologic involvement and neutropenia; CLPB Deficiency; 3-methylglutaconic aciduria, type VII, with cataracts, neurologic involvement and neutropenia. Identifiers: Orphanet 445038, MedGen C5676893, MONDO:0014561, OMIM 616271.

Allele frequency attached by ClinVar (database versions not stated): gnomAD exomes 0.00040 and 0.00107; ExAC 0.00122; ESP Exome Variant Server 0.00362; 1000 Genomes Project 0.00379; 1000 Genomes Project 30x 0.00390; gnomAD 0.00452 and 0.00471; TOPMed 0.00474.
gnomAD v4.1: 1,300 of 1,613,608 alleles (0.081%); highest among the groups gnomAD compares: African/African-American, 1.4%; 11 homozygotes.

Submissions (9):

CeGaT Center for Human Genetics Tuebingen
Classification: Likely benign. Last evaluated: 2026-04-01. Review status: criteria provided, single submitter. Criteria: CeGaT Center For Human Genetics Tuebingen Variant Classification Criteria Version 2. Collection method: clinical testing. Allele origin: germline. Affected: yes. Observed: 5 variant alleles.
Comment: CLPB: BP4, BS1

Labcorp Genetics (formerly Invitae), Labcorp
Classification: Benign for 3-methylglutaconic aciduria, type VIIB. Last evaluated: 2026-02-01. Review status: criteria provided, single submitter. Criteria: Invitae Variant Classification Sherloc (09022015). Collection method: clinical testing. Allele origin: germline.

Genomic Medicine Center of Excellence, King Faisal Specialist Hospital and Research Centre
Classification: Likely benign. Last evaluated: 2025-08-18. Review status: criteria provided, single submitter. Criteria: ACMG Guidelines, 2015. Collection method: clinical testing. Allele origin: germline.

Blueprint Genetics
Classification: Likely benign. Last evaluated: 2024-11-14. Review status: criteria provided, single submitter. Criteria: ACMG Guidelines, 2015. Collection method: clinical testing. Allele origin: germline.

Mayo Clinic Laboratories, Mayo Clinic
Classification: Benign. Last evaluated: 2024-03-14. Review status: criteria provided, single submitter. Criteria: ACMG Guidelines, 2015. Collection method: clinical testing. Allele origin: germline. Observed: 5 variant alleles.
Comment: BS1, BS2, BP4

GeneDx
Classification: Benign. Last evaluated: 2018-07-03. Review status: criteria provided, single submitter. Criteria: GeneDx Variant Classification Process June 2021. Collection method: clinical testing. Allele origin: germline. Affected: yes.

Breakthrough Genomics
Classification: Benign. Review status: criteria provided, single submitter. Criteria: ACMG Guidelines, 2015. Collection method: not provided. Allele origin: germline. Inheritance: Autosomal recessive inheritance. Affected: yes.

Genome Diagnostics Laboratory, University Medical Center Utrecht
Classification: Likely benign. Review status: no assertion criteria provided. Collection method: clinical testing. Allele origin: germline. Affected: yes. Study: VKGL Data-share Consensus. Not counted in ClinVar's aggregate classification.

Laboratory of Diagnostic Genome Analysis, Leiden University Medical Center (LUMC)
Classification: Likely benign. Review status: no assertion criteria provided. Collection method: clinical testing. Allele origin: germline. Affected: yes. Study: VKGL Data-share Consensus. Not counted in ClinVar's aggregate classification.